The following is an entry in ClinVar:

NM_005585.5(SMAD6):c.1372C>T (p.Pro458Ser)

Gene: SMAD6 (SMAD family member 6; plus strand). Cytogenetic location: 15q22.31.
Variant type: single nucleotide variant.
Coding change: c.1372C>T on transcript NM_005585.5 (MANE Select); coding-DNA position 1372, C replaced by T.
Protein change: p.Pro458Ser; replaces proline 458 with serine.
Molecular consequence: missense variant. On other transcripts: non-coding transcript variant (1).
Genome position (GRCh38, 1-based): chr15:66,781,416, C>T. VCF-style: chr15-66781416-C-T. GRCh37 (hg19) VCF-style: chr15-67073754-C-T.
Other names: short protein forms P458S.
Identifiers: ClinVar variation 3958355 (VCV003958355.1).

ClinVar aggregate classification (germline): Uncertain significance (1 of 4 stars; one submission).

Conditions:
Inborn genetic diseases. Identifiers: MedGen C0950123, MeSH D030342.

Submission:

Ambry Genetics
Classification: Uncertain significance for Inborn genetic diseases. Last evaluated: 2025-03-25. Review status: criteria provided, single submitter. Criteria: Ambry Variant Classification Scheme 2023. Collection method: clinical testing. Allele origin: germline.
Comment: The p.P458S variant (also known as c.1372C>T), located in coding exon 4 of the SMAD6 gene, results from a C to T substitution at nucleotide position 1372. The proline at codon 458 is replaced by serine, an amino acid with similar properties. This amino acid position is conserved. In addition, this alteration is predicted to be deleterious by in silico analysis. Based on the available evidence, the clinical significance of this variant remains unclear.